The following is an entry in ClinVar:

ClinVar aggregate classification (germline): Likely benign. Review status: criteria provided, multiple submitters, no conflicts (2 of 4 stars). 2 submissions from 2 submitters: Likely benign (2). Last evaluated 2025-07-05.

Conditions:
Charcot-Marie-Tooth disease type 2. Also called: Charcot-Marie-Tooth type 2. Identifiers: Orphanet 64746, MedGen C0270914, MONDO:0018993.

Submissions (2):

Labcorp Genetics (formerly Invitae), Labcorp
Classification: Likely benign for Charcot-Marie-Tooth disease type 2. Last evaluated: 2025-07-05. Review status: criteria provided, single submitter. Criteria: Invitae Variant Classification Sherloc (09022015). Collection method: clinical testing. Allele origin: germline.

CeGaT Center for Human Genetics Tuebingen
Classification: Likely benign. Last evaluated: 2022-06-01. Review status: criteria provided, single submitter. Criteria: CeGaT Center For Human Genetics Tuebingen Variant Classification Criteria Version 2. Collection method: clinical testing. Allele origin: germline. Affected: yes. Observed: 1 variant allele.
Comment: LMNA: PM2:Supporting, BP4, BP7

NM_170707.4(LMNA):c.1179T>C (p.Pro393=)

Gene: LMNA (lamin A/C; plus strand). Cytogenetic location: 1q22.
Variant type: single nucleotide variant.
Coding change: c.1179T>C on transcript NM_170707.4 (MANE Select); coding-DNA position 1179, T replaced by C.
Protein change: p.Pro393=; no amino-acid change (proline 393 retained).
Molecular consequence: synonymous variant.
Genome position (GRCh38, 1-based): chr1:156,136,235, T>C. VCF-style: chr1-156136235-T-C. GRCh37 (hg19) VCF-style: chr1-156106026-T-C.
Other names: c.843T>C, p.Pro281= (NM_001257374.3, NM_001406989.1, NM_001406998.1); c.936T>C, p.Pro312= (NM_001282624.2, NM_001406986.1, NM_001406987.1); c.1179T>C, p.Pro393= (NM_001282625.2, NM_001282626.2, NM_001406983.1 and 6 more transcripts); c.882T>C, p.Pro294= (NM_001406988.1); c.621T>C, p.Pro207= (NM_001406990.1, NM_001406993.1, NM_001406995.1 and 4 more transcripts); c.555T>C, p.Pro185= (NM_001406994.1, NM_001406999.1, NM_001407000.1 and 1 more transcripts).
Identifiers: ClinVar variation 1694530 (VCV001694530.33), dbSNP rs1651603737, ClinGen allele CA421257935.
Genomic context (GRCh38, chr1:156,136,235, plus strand): 5'-GGCCTTGACTAGACCCCCACTTGGTCTCCCTCTCCCCAGGCTACGCCTGTCCCCCAGCCC[T>C]ACCTCGCAGCGCAGCCGTGGCCGTGCTTCCTCTCACTCATCCCAGACACAGGGTGGGGGC-3'
Protein context (NP_733821.1, residues 383-403): EEERLRLSPS[Pro393=]TSQRSRGRAS